The following is an entry in ClinVar:

ClinVar aggregate classification (germline): Uncertain significance (1 of 4 stars; one submission).

Conditions:
Congenital neutropenia-myelofibrosis-nephromegaly syndrome. Also called: Severe congenital neutropenia 5, autosomal recessive. Identifiers: Orphanet 369852, MedGen C3809031, MONDO:0014118, OMIM 615285.

Allele frequency attached by ClinVar (database versions not stated): gnomAD 0.00001; gnomAD exomes 0.00001; ExAC 0.00002; TOPMed 0.00002.
gnomAD v4.1: 15 of 1,614,070 alleles (0.00093%); highest among the groups gnomAD compares: Non-Finnish European, 0.0012%; no homozygotes.

Submission:

Labcorp Genetics (formerly Invitae), Labcorp
Classification: Uncertain significance for Congenital neutropenia-myelofibrosis-nephromegaly syndrome. Last evaluated: 2022-06-22. Review status: criteria provided, single submitter. Criteria: Invitae Variant Classification Sherloc (09022015). Collection method: clinical testing. Allele origin: germline.
Comment: This sequence change replaces serine, which is neutral and polar, with threonine, which is neutral and polar, at codon 559 of the VPS45 protein (p.Ser559Thr). This variant is present in population databases (rs782327338, gnomAD 0.003%). This variant has not been reported in the literature in individuals affected with VPS45-related conditions. ClinVar contains an entry for this variant (Variation ID: 864694). Algorithms developed to predict the effect of missense changes on protein structure and function output the following: SIFT: "Tolerated"; PolyPhen-2: "Benign"; Align-GVGD: "Class C0". The threonine amino acid residue is found in multiple mammalian species, which suggests that this missense change does not adversely affect protein function. In summary, the available evidence is currently insufficient to determine the role of this variant in disease. Therefore, it has been classified as a Variant of Uncertain Significance.

NM_007259.5(VPS45):c.1676G>C (p.Ser559Thr)

Gene: VPS45 (vacuolar protein sorting 45 homolog; plus strand). Cytogenetic location: 1q21.2.
Variant type: single nucleotide variant.
Coding change: c.1676G>C on transcript NM_007259.5 (MANE Select); coding-DNA position 1676, G replaced by C.
Protein change: p.Ser559Thr; replaces serine 559 with threonine.
Molecular consequence: missense variant. On other transcripts: non-coding transcript variant (1).
Genome position (GRCh38, 1-based): chr1:150,144,759, G>C. VCF-style: chr1-150144759-G-C. GRCh37 (hg19) VCF-style: chr1-150116937-G-C.
Other names: c.1455G>C, p.Glu485Asp (NM_001279353.2); c.1568G>C, p.Ser523Thr (NM_001279354.2); short protein forms S523T, E485D, S559T.
Identifiers: ClinVar variation 864694 (VCV000864694.6), dbSNP rs782327338, ClinGen allele CA1073478.
Genomic context (GRCh38, chr1:150,144,759, plus strand): 5'-TACTTATCAGTTTCCTAGAGGAAGTTCTGGCTTCTGGACTGCACAGCCGAAGCAAGGAGA[G>C]CTCTCAAGTCACATCAAGGTCAGCGAGCAGAAGATGAAACGGTGGTTGGGGGAAGGGCAC-3'
Protein context (NP_009190.2, residues 549-569): ASGLHSRSKE[Ser559Thr]SQVTSRSASR